The following is an entry in ClinVar:

ClinVar aggregate classification (germline): Likely pathogenic (1 of 4 stars; one submission).

Conditions:
Cockayne syndrome type 2 (CSB). Also called: Cockayne Syndrome, Type II; COCKAYNE SYNDROME B. Identifiers: Orphanet 191, Orphanet 90322, MedGen C0751038, MONDO:0019570, OMIM 133540.

Allele frequency attached by ClinVar (database versions not stated): gnomAD exomes below 0.00001; TOPMed below 0.00001; gnomAD 0.00001.
gnomAD v4.1: 5 of 1,613,916 alleles (0.00031%); highest among the groups gnomAD compares: Non-Finnish European, 0.00034%; no homozygotes.

Submission:

Myriad Genetics, Inc.
Classification: Likely pathogenic for Cockayne syndrome type 2. Last evaluated: 2019-05-07. Review status: criteria provided, single submitter. Criteria: Myriad Women's Health Autosomal Recessive and X-Linked Classification Criteria (2019). Collection method: clinical testing. Allele origin: unknown.
Comment: NM_000124.2(ERCC6):c.2807G>A(W936*) is expected to be pathogenic in the context of ERCC6-related disorders. This variant is predicted to lead to an abnormal or absent protein product due to the creation of a premature termination codon in ERCC6, a gene where loss-of-function variants are known to be pathogenic. Please note: this variant was assessed in the context of healthy population screening.

NM_000124.4(ERCC6):c.2807G>A (p.Trp936Ter)

Genes: ERCC6 (ERCC excision repair 6, chromatin remodeling factor; minus strand), LOC126860933 (BRD4-independent group 4 enhancer GRCh37_chr10:50679962-50681161; plus strand). Cytogenetic location: 10q11.23.
Variant type: single nucleotide variant.
Coding change: c.2807G>A on transcript NM_000124.4 (MANE Select); coding-DNA position 2807, G replaced by A.
Protein change: p.Trp936Ter; replaces tryptophan 936 with a stop codon.
Molecular consequence: nonsense.
Genome position (GRCh38, 1-based): chr10:49,472,931, C>T on the plus strand (G>A on the coding strand, the complement: ERCC6 is on the minus strand). VCF-style: chr10-49472931-C-T. GRCh37 (hg19) VCF-style: chr10-50680977-C-T.
Other names: c.2807G>A, p.Trp936Ter (NM_001346440.2); short protein forms W936*.
Identifiers: ClinVar variation 983767 (VCV000983767.3), dbSNP rs1283213117, ClinGen allele CA376719054.